The following is an entry in ClinVar:

NM_001256317.3(TMPRSS3):c.965C>A (p.Pro322His)

Gene: TMPRSS3 (transmembrane serine protease 3; minus strand). Cytogenetic location: 21q22.3.
Variant type: single nucleotide variant.
Coding change: c.965C>A on transcript NM_001256317.3 (MANE Select); coding-DNA position 965, C replaced by A.
Protein change: p.Pro322His; replaces proline 322 with histidine.
Molecular consequence: missense variant.
Genome position (GRCh38, 1-based): chr21:42,380,200, G>T on the plus strand (C>A on the coding strand, the complement: TMPRSS3 is on the minus strand). VCF-style: chr21-42380200-G-T. GRCh37 (hg19) VCF-style: chr21-43800309-G-T.
Other names: c.965C>A, p.Pro322His (NM_024022.4); c.584C>A, p.Pro195His (NM_032404.3); short protein forms P195H, P322H.
Identifiers: ClinVar variation 1065053 (VCV001065053.3), dbSNP rs2146430688, ClinGen allele CA410371035.

ClinVar aggregate classification (germline): Likely pathogenic (1 of 4 stars; one submission).

Conditions:
Hearing impairment. Also called: Impaired Hearing. Identifiers: MedGen C1384666, MONDO:0005365, HP:0000365.

Submission:

Department of Otolaryngology – Head & Neck Surgery, Cochlear Implant Center
Classification: Likely pathogenic for Hearing impairment. Last evaluated: 2021-04-12. Review status: criteria provided, single submitter. Criteria: ClinGen HL ACMG Specifications v1. Collection method: clinical testing. Allele origin: germline. Affected: yes.
Comment: PM2_Moderate, PM3_Moderate, PP3_Moderate